The following is an entry in ClinVar:

ClinVar aggregate classification (germline): Uncertain significance (1 of 4 stars; one submission).

Submission:

Ambry Genetics
Classification: Uncertain significance. Last evaluated: 2022-08-16. Review status: criteria provided, single submitter. Criteria: Ambry Variant Classification Scheme 2023. Collection method: clinical testing. Allele origin: germline.
Comment: The p.D522E variant (also known as c.1566C>A), located in coding exon 16 of the KIF1B gene, results from a C to A substitution at nucleotide position 1566. The aspartic acid at codon 522 is replaced by glutamic acid, an amino acid with highly similar properties. This amino acid position is conserved. In addition, the in silico prediction for this alteration is inconclusive. Since supporting evidence is limited at this time, the clinical significance of this alteration remains unclear.

NM_001365951.3(KIF1B):c.1704C>A (p.Asp568Glu)

Gene: KIF1B (kinesin family member 1B; plus strand). Cytogenetic location: 1p36.22.
Variant type: single nucleotide variant.
Coding change: c.1704C>A on transcript NM_001365951.3 (MANE Select); coding-DNA position 1704, C replaced by A.
Protein change: p.Asp568Glu; replaces aspartic acid 568 with glutamic acid.
Molecular consequence: missense variant.
Genome position (GRCh38, 1-based): chr1:10,295,693, C>A. VCF-style: chr1-10295693-C-A. GRCh37 (hg19) VCF-style: chr1-10355751-C-A.
Other names: c.1704C>A, p.Asp568Glu (NM_001365952.1); c.1566C>A, p.Asp522Glu (NM_001365953.1, NM_015074.3, NM_183416.4); short protein forms D568E, D522E.
Identifiers: ClinVar variation 1775368 (VCV001775368.2), dbSNP rs2521390615, ClinGen allele CA338314856.